The following is an entry in ClinVar:

NM_001458.5(FLNC):c.1879_1882dup (p.Val628fs)

Gene: FLNC (filamin C; plus strand). Cytogenetic location: 7q32.1.
Variant type: Duplication.
Coding change: c.1879_1882dup on transcript NM_001458.5 (MANE Select); coding-DNA positions 1879 to 1882, 4 bases duplicated (GATG; older notation c.1879_1882dupGATG).
Protein change: p.Val628fs; shifts the reading frame from valine 628.
Molecular consequence: frameshift variant.
Genome position (GRCh38, 1-based): chr7:128,841,235-128,841,238, GATG duplicated. VCF-style (leftmost placement, unchanged base first): chr7-128841234-C-CGATG. GRCh37 (hg19) VCF-style: chr7-128481288-C-CGATG.
Other names: c.1879_1882dup, p.Val628fs (NM_001127487.2); short protein forms V628fs.
Identifiers: ClinVar variation 3755988 (VCV003755988.2).

ClinVar aggregate classification (germline): Pathogenic (1 of 4 stars; one submission).

Conditions:
Distal myopathy with posterior leg and anterior hand involvement. Also called: WILLIAMS DISTAL MYOPATHY. Identifiers: Orphanet 63273, MedGen C3279722, MONDO:0013550, OMIM 614065.
Hypertrophic cardiomyopathy 26. Also called: Cardiomyopathy, familial hypertrophic, 26. Identifiers: Orphanet 75249, MedGen C4310749, MONDO:0014883, OMIM 617047.
Myofibrillar myopathy 5. Also called: Filaminopathy (type); FILAMINOPATHY, AUTOSOMAL DOMINANT. Identifiers: Orphanet 171445, MedGen C1836050, MONDO:0012289, OMIM 609524.

Submission:

Labcorp Genetics (formerly Invitae), Labcorp
Classification: Pathogenic for Distal myopathy with posterior leg and anterior hand involvement; Myofibrillar myopathy 5; Hypertrophic cardiomyopathy 26. Last evaluated: 2025-01-01. Review status: criteria provided, single submitter. Criteria: Invitae Variant Classification Sherloc (09022015). Collection method: clinical testing. Allele origin: germline.
Comment: This sequence change creates a premature translational stop signal (p.Val628Glyfs*19) in the FLNC gene. It is expected to result in an absent or disrupted protein product. Loss-of-function variants in FLNC are known to be pathogenic (PMID: 27908349). This variant is not present in population databases (gnomAD no frequency). This variant has not been reported in the literature in individuals affected with FLNC-related conditions. For these reasons, this variant has been classified as Pathogenic.

Literature cited by the submitters: PubMed 27908349.